The following is an entry in ClinVar:

ClinVar aggregate classification (germline): Uncertain significance (1 of 4 stars; one submission).

Conditions:
Hereditary pheochromocytoma and paraganglioma. Also called: Hereditary Paraganglioma-Pheochromocytoma Syndromes; Hereditary pheochromocytoma-paraganglioma; Hereditary paragangliomas and pheochromocytomas. Identifiers: Orphanet 29072, MedGen C4274332, MONDO:0017366.

Submission:

Labcorp Genetics (formerly Invitae), Labcorp
Classification: Uncertain significance for Hereditary pheochromocytoma and paraganglioma. Last evaluated: 2022-11-03. Review status: criteria provided, single submitter. Criteria: Invitae Variant Classification Sherloc (09022015). Collection method: clinical testing. Allele origin: germline.
Comment: This sequence change replaces valine, which is neutral and non-polar, with leucine, which is neutral and non-polar, at codon 171 of the TMEM127 protein (p.Val171Leu). In summary, the available evidence is currently insufficient to determine the role of this variant in disease. Therefore, it has been classified as a Variant of Uncertain Significance. Algorithms developed to predict the effect of missense changes on protein structure and function (SIFT, PolyPhen-2, Align-GVGD) all suggest that this variant is likely to be disruptive. This variant has not been reported in the literature in individuals affected with TMEM127-related conditions. This variant is not present in population databases (gnomAD no frequency).

NM_017849.4(TMEM127):c.511G>C (p.Val171Leu)

Gene: TMEM127 (transmembrane protein 127; minus strand). Cytogenetic location: 2q11.2.
Variant type: single nucleotide variant.
Coding change: c.511G>C on transcript NM_017849.4 (MANE Select); coding-DNA position 511, G replaced by C.
Protein change: p.Val171Leu; replaces valine 171 with leucine.
Molecular consequence: missense variant.
Genome position (GRCh38, 1-based): chr2:96,254,014, C>G on the plus strand (G>C on the coding strand, the complement: TMEM127 is on the minus strand). VCF-style: chr2-96254014-C-G. GRCh37 (hg19) VCF-style: chr2-96919752-C-G.
Other names: c.511G>C, p.Val171Leu (NM_001193304.3); c.259G>C, p.Val87Leu (NM_001407282.1, NM_001407283.1); short protein forms V87L, V171L.
Identifiers: ClinVar variation 2811777 (VCV002811777.3), dbSNP rs2104284670, ClinGen allele CA347652625.
Genomic context (GRCh38, chr2:96,254,014, plus strand): 5'-TGGCCAGGATTGAGGCTCCACCAGCTCCTGCCACCAGGTAGAAGCTAACGGCGAAGGTGA[C>G]ATAGACCTGGGATCCATGGTACTTCTTATGCTGCTGCTGCTGGGCCAAGATGAGTTCAGA-3'
Protein context (NP_060319.1, residues 161-181): HKKYHGSQVY[Val171Leu]TFAVSFYLVA